The following is an entry in ClinVar:

ClinVar aggregate classification (germline): Pathogenic. Review status: criteria provided, single submitter (1 of 4 stars). 2 submissions from 2 submitters: Pathogenic (1). 1 of the submissions does not count toward it. Last evaluated 2024-08-24.

Conditions:
Wilson disease (WND). Also called: Wilson's disease. Identifiers: Orphanet 905, MedGen C0019202, MONDO:0010200, OMIM 277900. Disease mechanism: loss of function.

Submissions (2):

Labcorp Genetics (formerly Invitae), Labcorp
Classification: Pathogenic for Wilson disease. Last evaluated: 2024-08-24. Review status: criteria provided, single submitter. Criteria: Invitae Variant Classification Sherloc (09022015). Collection method: clinical testing. Allele origin: germline.
Comment: This sequence change creates a premature translational stop signal (p.Ala740Cysfs*15) in the ATP7B gene. It is expected to result in an absent or disrupted protein product. Loss-of-function variants in ATP7B are known to be pathogenic (PMID: 10441329, 16283883). This variant is not present in population databases (gnomAD no frequency). This variant has not been reported in the literature in individuals affected with ATP7B-related conditions. ClinVar contains an entry for this variant (Variation ID: 556548). Algorithms developed to predict the effect of sequence changes on RNA splicing suggest that this variant may disrupt the consensus splice site. For these reasons, this variant has been classified as Pathogenic.

Counsyl
Classification: Likely pathogenic for Wilson disease. Last evaluated: 2018-02-06. Review status: no assertion criteria provided. Collection method: clinical testing. Allele origin: unknown. Not counted in ClinVar's aggregate classification.

Literature cited by the submitters: PubMed 10441329 (cited by Labcorp Genetics (formerly Invitae), Labcorp); PubMed 16283883 (cited by Labcorp Genetics (formerly Invitae), Labcorp).

NM_000053.4(ATP7B):c.2217dup (p.Ala740fs)

Gene: ATP7B (ATPase copper transporting beta; minus strand). Cytogenetic location: 13q14.3.
Variant type: Duplication.
Coding change: c.2217dup on transcript NM_000053.4 (MANE Select); coding-DNA position 2217, one base duplicated (T; older notation c.2217dupT).
Protein change: p.Ala740fs; shifts the reading frame from alanine 740.
Molecular consequence: frameshift variant. On other transcripts: intron variant (2).
Genome position (GRCh38, 1-based): chr13:51,958,449, A duplicated on the plus strand (T on the coding strand, the reverse complement: ATP7B is on the minus strand); the first of 2 consecutive A bases (chr13:51,958,449-51,958,450); duplicating either gives the same sequence. VCF-style (leftmost placement, unchanged base first): chr13-51958448-C-CA. GRCh37 (hg19) VCF-style: chr13-52532584-C-CA.
Other names: c.2217dupT (NM_000053.3); c.1884dup, p.Ala629fs (NM_001243182.2); c.1965dup, p.Ala656fs (NM_001330579.2); c.1870-842dup (NM_001005918.3); c.2122-842dup (NM_001330578.2); short protein forms A629fs, A656fs, A740fs.
Identifiers: ClinVar variation 556548 (VCV000556548.4), dbSNP rs1555291207, ClinGen allele CA658823712.